The following is an entry in ClinVar:

NM_001430.5(EPAS1):c.465T>G (p.Phe155Leu)

Genes: EPAS1 (endothelial PAS domain protein 1; plus strand), LOC126806210 (BRD4-independent group 4 enhancer GRCh37_chr2:46587586-46588785; plus strand). Cytogenetic location: 2p21.
Variant type: single nucleotide variant.
Coding change: c.465T>G on transcript NM_001430.5 (MANE Select); coding-DNA position 465, T replaced by G.
Protein change: p.Phe155Leu; replaces phenylalanine 155 with leucine.
Molecular consequence: missense variant.
Genome position (GRCh38, 1-based): chr2:46,360,648, T>G. VCF-style: chr2-46360648-T-G. GRCh37 (hg19) VCF-style: chr2-46587787-T-G.
Other names: short protein forms F155L.
Identifiers: ClinVar variation 3221655 (VCV003221655.1), dbSNP rs1684366279, ClinGen allele CA346698917.
Genomic context (GRCh38, chr2:46,360,648, plus strand): 5'-ATCCATATAAAACTGACTTCAGCTGGTTCTTCCCATCCTTCCACATCCAGGCTCTGGTTT[T>G]GGGAAAAAAAGCAAAGACATGTCCACAGAGCGGGACTTCTTCATGAGGATGAAGTGCACG-3'
Protein context (NP_001421.2, residues 145-165): ENLSLKNGSG[Phe155Leu]GKKSKDMSTE

ClinVar aggregate classification (germline): Uncertain significance (1 of 4 stars; one submission).

Conditions:
Inborn genetic diseases. Identifiers: MedGen C0950123, MeSH D030342.

Allele frequency attached by ClinVar (database versions not stated): gnomAD exomes below 0.00001; gnomAD 0.00001.
gnomAD v4.1: 2 of 1,613,818 alleles (0.00012%); highest among the groups gnomAD compares: African/African-American, 0.0027%; no homozygotes.

Submission:

Ambry Genetics
Classification: Uncertain significance for Inborn genetic diseases. Last evaluated: 2023-11-08. Review status: criteria provided, single submitter. Criteria: Ambry Variant Classification Scheme 2023. Collection method: clinical testing. Allele origin: germline.
Comment: The p.F155L variant (also known as c.465T>G), located in coding exon 5 of the EPAS1 gene, results from a T to G substitution at nucleotide position 465. The phenylalanine at codon 155 is replaced by leucine, an amino acid with highly similar properties. This amino acid position is conserved. In addition, this alteration is predicted to be tolerated by in silico analysis. Since supporting evidence is limited at this time, the clinical significance of this alteration remains unclear.